The following is an entry in ClinVar:

ClinVar aggregate classification (germline): Likely benign. Review status: criteria provided, multiple submitters, no conflicts (2 of 4 stars). 3 submissions from 3 submitters: Likely benign (3). Last evaluated 2026-01-26.

Allele frequency attached by ClinVar (database versions not stated): ExAC 0.00023; TOPMed 0.00023; gnomAD exomes 0.00024; gnomAD 0.00025 and 0.00026.
gnomAD v4.1: 771 of 1,598,530 alleles (0.048%); highest among the groups gnomAD compares: Non-Finnish European, 0.064%; no homozygotes.

Submissions (3):

Labcorp Genetics (formerly Invitae), Labcorp
Classification: Likely benign. Last evaluated: 2026-01-26. Review status: criteria provided, single submitter. Criteria: Invitae Variant Classification Sherloc (09022015). Collection method: clinical testing. Allele origin: germline.

Blueprint Genetics
Classification: Likely benign. Last evaluated: 2024-11-18. Review status: criteria provided, single submitter. Criteria: ACMG Guidelines, 2015. Collection method: clinical testing. Allele origin: germline.

CeGaT Center for Human Genetics Tuebingen
Classification: Likely benign. Last evaluated: 2022-05-01. Review status: criteria provided, single submitter. Criteria: CeGaT Center For Human Genetics Tuebingen Variant Classification Criteria Version 2. Collection method: clinical testing. Allele origin: germline. Affected: yes. Observed: 1 variant allele.
Comment: PAX1: BP4, BP7

NM_001257096.2(PAX1):c.1173G>C (p.Pro391=)

Gene: PAX1 (paired box 1; plus strand). Cytogenetic location: 20p11.22.
Variant type: single nucleotide variant.
Coding change: c.1173G>C on transcript NM_001257096.2 (MANE Select); coding-DNA position 1173, G replaced by C.
Protein change: p.Pro391=; no amino-acid change (proline 391 retained).
Molecular consequence: synonymous variant.
Genome position (GRCh38, 1-based): chr20:21,709,335, G>C. VCF-style: chr20-21709335-G-C. GRCh37 (hg19) VCF-style: chr20-21689973-G-C.
Other names: c.1173G>C, p.Pro391= (NM_006192.5).
Identifiers: ClinVar variation 742961 (VCV000742961.33), dbSNP rs200820610, ClinGen allele CA9786708.
Genomic context (GRCh38, chr20:21,709,335, plus strand): 5'-GGCCTCCAACCAGCACGGCGTGTACAGCGCCCCGGGCGGCGGCTACCTCGCCCCGGGCCC[G>C]CCGTGGCCGCCTGCGCAAGGTCCTCCTCTGGCGCCCCCCGGGGCCGGCGTAGCTGTGCAT-3'
Protein context (NP_001244025.1, residues 381-401): APGGGYLAPG[Pro391=]PWPPAQGPPL